The following is an entry in ClinVar:

ClinVar aggregate classification (germline): Uncertain significance (1 of 4 stars; one submission).

Conditions:
Familial thoracic aortic aneurysm and aortic dissection (TAAD). Also called: Thoracic aortic aneurysms and dissections. Identifiers: Orphanet 91387, MedGen C4707243, MONDO:0019625.

Submission:

Ambry Genetics
Classification: Uncertain significance for Familial thoracic aortic aneurysm and aortic dissection. Last evaluated: 2026-03-29. Review status: criteria provided, single submitter. Criteria: Ambry Variant Classification Scheme 2023. Collection method: clinical testing. Allele origin: germline.
Comment: The p.R2387G variant (also known as c.7159C>G), located in coding exon 43 of the FLNA gene, results from a C to G substitution at nucleotide position 7159. The arginine at codon 2387 is replaced by glycine, an amino acid with dissimilar properties. This amino acid position is conserved. In addition, this alteration is predicted to be deleterious by in silico analysis. Based on the available evidence, the clinical significance of this variant remains unclear.

NM_001110556.2(FLNA):c.7183C>G (p.Arg2395Gly)

Gene: FLNA (filamin A; minus strand). Cytogenetic location: Xq28.
Variant type: single nucleotide variant.
Coding change: c.7183C>G on transcript NM_001110556.2 (MANE Select); coding-DNA position 7183, C replaced by G.
Protein change: p.Arg2395Gly; replaces arginine 2395 with glycine.
Molecular consequence: missense variant.
Genome position (GRCh38, 1-based): chrX:154,350,181, G>C on the plus strand (C>G on the coding strand, the complement: FLNA is on the minus strand). VCF-style: chrX-154350181-G-C. GRCh37 (hg19) VCF-style: chrX-153578549-G-C.
Other names: c.7159C>G, p.Arg2387Gly (NM_001456.4); short protein forms R2387G, R2395G.
Identifiers: ClinVar variation 4871435 (VCV004871435.1).